The following is an entry in ClinVar:

ClinVar aggregate classification (germline): Uncertain significance. Review status: criteria provided, multiple submitters, no conflicts (2 of 4 stars). 2 submissions from 2 submitters: Uncertain significance (2). Last evaluated 2026-01-09.

Conditions:
Thrombophilia due to protein S deficiency, autosomal dominant (THPH5). Identifiers: Orphanet 26349, Orphanet 743, MedGen C3278211, MONDO:0012868, OMIM 612336. Disease mechanism: loss of function.

gnomAD v4.1: 1 of 1,614,106 alleles (0.000062%); no homozygotes.

Submissions (2):

Institute of Human Genetics, University of Leipzig Medical Center
Classification: Uncertain significance for Thrombophilia due to protein S deficiency, autosomal dominant. Last evaluated: 2026-01-09. Review status: criteria provided, single submitter. Criteria: ACMG Guidelines, 2015. Collection method: clinical testing. Allele origin: unknown. Inheritance: Autosomal dominant inheritance. Affected: yes.
Comment: Criteria applied: PM2,PP3,PP4

Mayo Clinic Laboratories, Mayo Clinic
Classification: Uncertain significance. Last evaluated: 2025-06-10. Review status: criteria provided, single submitter. Criteria: ACMG Guidelines, 2015. Collection method: clinical testing. Allele origin: germline. Observed: 1 variant allele.
Comment: PP3_strong, PM2_supporting

NM_000313.4(PROS1):c.451G>A (p.Gly151Arg)

Gene: PROS1 (protein S; minus strand). Cytogenetic location: 3q11.1.
Variant type: single nucleotide variant.
Coding change: c.451G>A on transcript NM_000313.4 (MANE Select); coding-DNA position 451, G replaced by A.
Protein change: p.Gly151Arg; replaces glycine 151 with arginine.
Molecular consequence: missense variant.
Genome position (GRCh38, 1-based): chr3:93,906,039, C>T on the plus strand (G>A on the coding strand, the complement: PROS1 is on the minus strand). VCF-style: chr3-93906039-C-T. GRCh37 (hg19) VCF-style: chr3-93624883-C-T.
Other names: p.Gly151Arg; c.547G>A, p.Gly183Arg (NM_001314077.2); short protein forms G183R, G151R.
Identifiers: ClinVar variation 4540902 (VCV004540902.2).